The following is an entry in ClinVar:

NM_003560.4(PLA2G6):c.991G>T (p.Asp331Tyr)

Gene: PLA2G6 (phospholipase A2 group VI; minus strand). Cytogenetic location: 22q13.1.
Variant type: single nucleotide variant.
Coding change: c.991G>T on transcript NM_003560.4 (MANE Select); coding-DNA position 991, G replaced by T.
Protein change: p.Asp331Tyr; replaces aspartic acid 331 with tyrosine.
Molecular consequence: missense variant.
Genome position (GRCh38, 1-based): chr22:38,132,917, C>A on the plus strand (G>T on the coding strand, the complement: PLA2G6 is on the minus strand). VCF-style: chr22-38132917-C-A. GRCh37 (hg19) VCF-style: chr22-38528924-C-A.
Other names: NM_003560.4(PLA2G6):c.991G>T; p.Asp331Tyr; c.991G>T, p.Asp331Tyr (NM_001004426.3, NM_001199562.3, NM_001349864.2 and 2 more transcripts); c.457G>T, p.Asp153Tyr (NM_001349867.2, NM_001349869.2); c.313G>T, p.Asp105Tyr (NM_001349868.2); short protein forms D331Y, D105Y, D153Y.
Identifiers: ClinVar variation 30371 (VCV000030371.25), dbSNP rs199935023, ClinGen allele CA259786.

ClinVar aggregate classification (germline): Pathogenic. Review status: criteria provided, multiple submitters, no conflicts (2 of 4 stars). 10 submissions from 10 submitters: Pathogenic (8). 2 of the submissions do not count toward it. Last evaluated 2025-12-23.

Conditions:
PLA2G6-associated neurodegeneration (PLAN). Also called: phospholipase A2-associated neurodegeneration. Identifiers: Orphanet 329303, MedGen CN204472, MONDO:0017998.
Autosomal recessive Parkinson disease 14. Also called: DYSTONIA-PARKINSONISM, ADULT-ONSET; PARKINSON DISEASE 14. Identifiers: Orphanet 199351, MedGen C2751842, MONDO:0013060, OMIM 612953.
Infantile neuroaxonal dystrophy (NBIA2A). Also called: SEITELBERGER DISEASE; NEURODEGENERATION WITH BRAIN IRON ACCUMULATION 2A; Infantile neuroaxonal dystrophy 1. Identifiers: Orphanet 35069, MedGen C0270724, MONDO:0024457, OMIM 256600.
Neurodegeneration with brain iron accumulation 2B. Also called: NEUROAXONAL DYSTROPHY, ATYPICAL; NEURODEGENERATION WITH BRAIN IRON ACCUMULATION, PLA2G6-RELATED; aNAD; atypical Neuroaxonal Dystrophy (aNAD). Identifiers: Orphanet 35069, MedGen C1857747, MONDO:0012444, OMIM 610217.

Allele frequency attached by ClinVar (database versions not stated): TOPMed 0.00004; 1000 Genomes Project 30x 0.00016; 1000 Genomes Project 0.00020.
gnomAD v4.1: 23 of 1,557,154 alleles (0.0015%); highest among the groups gnomAD compares: East Asian, 0.046%; no homozygotes.

Submissions (10):

GeneDx
Classification: Pathogenic. Last evaluated: 2025-12-23. Review status: criteria provided, single submitter. Criteria: GeneDx Variant Classification Process June 2021. Collection method: clinical testing. Allele origin: germline. Affected: yes.
Comment: Published functional studies demonstrate a damaging effect on neuronal function and phospholipase enzyme activity (PMID: 34520727); In silico analysis supports that this missense variant has a deleterious effect on protein structure/function; This variant is associated with the following publications: (PMID: 21700586, 39378566, 25660576, 22213678, 29454663, 31196701, 30772976, 31496990, 32183746, 30088174, 32771225, 35314707, 35624904, 35861376, 36570855, 35741772, 35645773, 36247768, 36150414, 37198191, 32613234, 35041927, 34823216, 32961396, 30302010, 38699051, 39184971, 34520727)

CeGaT Center for Human Genetics Tuebingen
Classification: Pathogenic. Last evaluated: 2025-02-01. Review status: criteria provided, single submitter. Criteria: CeGaT Center For Human Genetics Tuebingen Variant Classification Criteria Version 2. Collection method: clinical testing. Allele origin: germline. Affected: yes. Observed: 1 variant allele.
Comment: PLA2G6: PM3:Very Strong, PM2, PS3:Supporting

Victorian Clinical Genetics Services, Murdoch Childrens Research Institute
Classification: Pathogenic for PLA2G6-associated neurodegeneration. Last evaluated: 2024-11-21. Review status: criteria provided, single submitter. Criteria: ACMG Guidelines, 2015. Collection method: clinical testing. Allele origin: germline.
Comment: This variant is classified as Pathogenic. Evidence in support of pathogenic classification: Variant is present in gnomAD <0.01 for a recessive condition (v4: 23 heterozygote(s), # homozygote(s)); This variant has strong previous evidence of pathogenicity in unrelated individuals. It has been classified as pathogenic and likely pathogenic by multiple clinical laboratories (ClinVar). It has also been reported in multiple compound heterozygous and homozygous individuals with early-onset parkinson's disease, including two homozygous individuals who were unaffected at the time of assessment (PMID: 35624904, 32183746, 21700586, 36033628, 22213678, 30788857). Additional information: Variant is predicted to result in a missense amino acid change from aspartic acid to tyrosine; This variant is heterozygous; This gene is associated with autosomal recessive disease; An alternative amino acid change at the same position has been observed in gnomAD (v4: 85 heterozygote(s), 0 homozygote(s)); Loss of function is a known mechanism of disease in this gene and is associated with PLA2G6-associated neurodegeneration (MONDO#0017998); Variants in this gene are known to have variable expressivity. Intra-familial variability has been reported (PMID: 34622992).

Labcorp Genetics (formerly Invitae), Labcorp
Classification: Pathogenic for Infantile neuroaxonal dystrophy. Last evaluated: 2024-08-17. Review status: criteria provided, single submitter. Criteria: Invitae Variant Classification Sherloc (09022015). Collection method: clinical testing. Allele origin: germline.
Comment: This sequence change replaces aspartic acid, which is acidic and polar, with tyrosine, which is neutral and polar, at codon 331 of the PLA2G6 protein (p.Asp331Tyr). This variant is present in population databases (rs199935023, gnomAD 0.08%). This missense change has been observed in individual(s) with Parkinson disease (PMID: 21700586, 22213678, 25660576). In at least one individual the data is consistent with being in trans (on the opposite chromosome) from a pathogenic variant. ClinVar contains an entry for this variant (Variation ID: 30371). Invitae Evidence Modeling of protein sequence and biophysical properties (such as structural, functional, and spatial information, amino acid conservation, physicochemical variation, residue mobility, and thermodynamic stability) indicates that this missense variant is expected to disrupt PLA2G6 protein function with a positive predictive value of 80%. Experimental studies have shown that this missense change affects PLA2G6 function (PMID: 21700586). For these reasons, this variant has been classified as Pathogenic.

Fulgent Genetics
Classification: Pathogenic for Infantile neuroaxonal dystrophy; Neurodegeneration with brain iron accumulation 2B; Autosomal recessive Parkinson disease 14. Last evaluated: 2024-04-25. Review status: criteria provided, single submitter. Criteria: ACMG Guidelines, 2015. Collection method: clinical testing. Allele origin: germline.

Broad Center for Mendelian Genomics, Broad Institute of MIT and Harvard
Classification: Pathogenic for PLA2G6-associated neurodegeneration. Last evaluated: 2023-01-24. Review status: criteria provided, single submitter. Criteria: ACMG Guidelines, 2015. Collection method: curation. Allele origin: germline. Inheritance: Autosomal recessive inheritance.
Comment: The p.Asp331Tyr variant in PLA2G6 has been reported in at least 4 individuals with PLA2G6-associated neurodegeneration (PMID: 29454663, 31196701, 22213678) and has been identified in 0.08% (11/13680) of East Asian chromosomes by the Genome Aggregation Database (gnomAD; dbSNP ID: rs199935023). Although this variant has been seen in the general population in a heterozygous state, its frequency is not high enough to rule out a pathogenic role. This variant has also been reported in ClinVar (Variation ID#: 30371) and has been interpreted as pathogenic by GeneDx and OMIM. Of the 4 affected individuals, 1 was a compound heterozygote that carried a reported likely pathogenic variants in trans and 2 of those were homozygotes, which increases the likelihood that the p.Asp331Tyr variant is pathogenic (Variant ID: 279875; PMID: 29454663, 31196701, 22213678). In vitro functional studies provide some evidence that the p.Asp331Tyr variant may slightly impact protein function (PMID: 21700586). However, these types of assays may not accurately represent biological function. Animal models in mice have shown that this variant causes PLA2G6-associated neurodegeneration (PMID: 30088174). Computational prediction tools and conservation analyses do not provide strong support for or against an impact to the protein. In summary, this variant meets criteria to be classified as pathogenic for autosomal recessive PLA2G6-associated neurodegeneration. ACMG/AMP Criteria applied: PM3_strong, PS3 (Richards 2015).

Department of Neurology, Qilu Hospital of Shandong University
Classification: Pathogenic for PLA2G6-associated neurodegeneration. Last evaluated: 2021-11-01. Review status: criteria provided, single submitter. Criteria: ACMG2015. Collection method: clinical testing. Allele origin: germline. Affected: yes. Observed: 2 variant alleles.

Juno Genomics, Hangzhou Juno Genomics, Inc
Classification: Pathogenic for Infantile neuroaxonal dystrophy; Neurodegeneration with brain iron accumulation 2B; Autosomal recessive Parkinson disease 14. Review status: criteria provided, single submitter. Criteria: ACMG Guidelines, 2015. Collection method: clinical testing. Allele origin: germline. Affected: yes.
Comment: Absent from controls (or at extremely low frequency if recessive) in Genome Aggregation Database, Exome Sequencing Project, 1000 Genomes Project, or Exome Aggregation Consortium.;Well-established in vitro or in vivo functional studies supportive of a damaging effect on the gene or gene product.;For recessive disorders, detected in trans with a pathogenic variant.;Patient's phenotype or family history is highly specific for a disease with a single genetic etiology.

OMIM
Classification: Pathogenic for PARKINSON DISEASE 14. Last evaluated: 2011-07-05. Review status: no assertion criteria provided. Collection method: literature only. Allele origin: germline. Not counted in ClinVar's aggregate classification.

Department of Neurology, Second Affiliated Hospital, Zhejiang University
Classification: Pathogenic for PLA2G6-associated neurodegeneration. Review status: no assertion criteria provided. Collection method: clinical testing. Allele origin: germline. Inheritance: Autosomal recessive inheritance. Affected: yes. Not counted in ClinVar's aggregate classification.
Comment: The PLA2G6 c.991G>T; p.D331Y variant has been reported associated with parkinsonism (Shi 2011, Chu 2020, Liu 2022, Xie 2015). Furthermore, the functional studies have demonstrated that p.D331Y variant results in early-onset degeneration of Dopaminergic neurons (Chiu 2018, Ke 2020). This variant is associated with the following publications: PMID: 21700586, 32183746, 36150414, 25660576, 32071291, 30088174.

Literature cited by the submitters: PubMed 34622992 (cited by Victorian Clinical Genetics Services, Murdoch Childrens Research Institute); PubMed 22213678 (cited by 3 submitters); PubMed 21700586 (cited by 4 submitters); PubMed 30788857 (cited by Victorian Clinical Genetics Services, Murdoch Childrens Research Institute); PubMed 35624904 (cited by Victorian Clinical Genetics Services, Murdoch Childrens Research Institute and Department of Neurology, Qilu Hospital of Shandong University); PubMed 32183746 (cited by Victorian Clinical Genetics Services, Murdoch Childrens Research Institute and Department of Neurology, Qilu Hospital of Shandong University); PubMed 36033628 (cited by Victorian Clinical Genetics Services, Murdoch Childrens Research Institute); PubMed 25660576 (cited by Labcorp Genetics (formerly Invitae), Labcorp and Department of Neurology, Qilu Hospital of Shandong University); PubMed 29454663 (cited by Department of Neurology, Qilu Hospital of Shandong University); PubMed 30088174 (cited by Department of Neurology, Qilu Hospital of Shandong University); PubMed 30302010 (cited by Department of Neurology, Qilu Hospital of Shandong University); PubMed 30772976 (cited by Department of Neurology, Qilu Hospital of Shandong University); PubMed 31196701 (cited by Department of Neurology, Qilu Hospital of Shandong University); PubMed 31496990 (cited by Department of Neurology, Qilu Hospital of Shandong University); PubMed 32613234 (cited by Department of Neurology, Qilu Hospital of Shandong University); PubMed 32771225 (cited by Department of Neurology, Qilu Hospital of Shandong University); PubMed 32961396 (cited by Department of Neurology, Qilu Hospital of Shandong University); PubMed 34520727 (cited by Department of Neurology, Qilu Hospital of Shandong University); PubMed 34823216 (cited by Department of Neurology, Qilu Hospital of Shandong University); PubMed 35041927 (cited by Department of Neurology, Qilu Hospital of Shandong University); PubMed 35314707 (cited by Department of Neurology, Qilu Hospital of Shandong University); PubMed 35645773 (cited by Department of Neurology, Qilu Hospital of Shandong University); PubMed 35741772 (cited by Department of Neurology, Qilu Hospital of Shandong University); PubMed 35861376 (cited by Department of Neurology, Qilu Hospital of Shandong University); PubMed 36150414 (cited by Department of Neurology, Qilu Hospital of Shandong University); PubMed 36247768 (cited by Department of Neurology, Qilu Hospital of Shandong University); PubMed 36570855 (cited by Department of Neurology, Qilu Hospital of Shandong University); PubMed 37198191 (cited by Department of Neurology, Qilu Hospital of Shandong University).